The following is an entry in ClinVar:

NM_014391.3(ANKRD1):c.358G>C (p.Asp120His)

Gene: ANKRD1 (ankyrin repeat domain 1; minus strand). Cytogenetic location: 10q23.31.
Variant type: single nucleotide variant.
Coding change: c.358G>C on transcript NM_014391.3 (MANE Select); coding-DNA position 358, G replaced by C.
Protein change: p.Asp120His; replaces aspartic acid 120 with histidine.
Molecular consequence: missense variant.
Genome position (GRCh38, 1-based): chr10:90,918,960, C>G on the plus strand (G>C on the coding strand, the complement: ANKRD1 is on the minus strand). VCF-style: chr10-90918960-C-G. GRCh37 (hg19) VCF-style: chr10-92678717-C-G.
Other names: short protein forms D120H.
Identifiers: ClinVar variation 2723404 (VCV002723404.4), dbSNP rs778238821, ClinGen allele CA377552359.
Genomic context (GRCh38, chr10:90,918,960, plus strand): 5'-AGAATTTTTCTACTACTGGCAGTTTATTCTCCAGAGCAGCCTTCAGAAACGTAGGCACAT[C>G]CACAGGTTCCGTCTAAAGCCAAAATAAATAAATATATATATATATATATATATATAGCAT-3'
Protein context (NP_055206.2, residues 110-130): PEPEIITEPV[Asp120His]VPTFLKAALE

ClinVar aggregate classification (germline): Uncertain significance. Review status: criteria provided, multiple submitters, no conflicts (2 of 4 stars). 2 submissions from 2 submitters: Uncertain significance (2). Last evaluated 2025-09-18.

Conditions:
ANKRD1-related dilated cardiomyopathy. Identifiers: MedGen CN119551.
Cardiovascular phenotype. Identifiers: MedGen CN230736.

Allele frequency attached by ClinVar (database versions not stated): gnomAD 0.00001; gnomAD exomes 0.00001; TOPMed 0.00001.
gnomAD v4.1: 5 of 1,596,298 alleles (0.00031%); highest among the groups gnomAD compares: Non-Finnish European, 0.00043%; no homozygotes.

Submissions (2):

Ambry Genetics
Classification: Uncertain significance for Cardiovascular phenotype. Last evaluated: 2025-09-18. Review status: criteria provided, single submitter. Criteria: Ambry Variant Classification Scheme 2023. Collection method: clinical testing. Allele origin: germline.
Comment: The p.D120H variant (also known as c.358G>C), located in coding exon 4 of the ANKRD1 gene, results from a G to C substitution at nucleotide position 358. The aspartic acid at codon 120 is replaced by histidine, an amino acid with similar properties. This amino acid position is highly conserved in available vertebrate species. In addition, this alteration is predicted to be deleterious by in silico analysis. The evidence for this gene-disease relationship is limited; therefore, the clinical significance of this alteration is unclear.

Labcorp Genetics (formerly Invitae), Labcorp
Classification: Uncertain significance for ANKRD1-related dilated cardiomyopathy. Last evaluated: 2023-03-20. Review status: criteria provided, single submitter. Criteria: Invitae Variant Classification Sherloc (09022015). Collection method: clinical testing. Allele origin: germline.
Comment: In summary, the available evidence is currently insufficient to determine the role of this variant in disease. Therefore, it has been classified as a Variant of Uncertain Significance. Advanced modeling of protein sequence and biophysical properties (such as structural, functional, and spatial information, amino acid conservation, physicochemical variation, residue mobility, and thermodynamic stability) performed at Invitae indicates that this missense variant is not expected to disrupt ANKRD1 protein function. This variant has not been reported in the literature in individuals affected with ANKRD1-related conditions. This variant is not present in population databases (gnomAD no frequency). This sequence change replaces aspartic acid, which is acidic and polar, with histidine, which is basic and polar, at codon 120 of the ANKRD1 protein (p.Asp120His).